The following is an entry in ClinVar:

NM_172362.3(KCNH1):c.80-18T>G

Gene: KCNH1 (potassium voltage-gated channel subfamily H member 1; minus strand). Cytogenetic location: 1q32.2.
Variant type: single nucleotide variant.
Coding change: c.80-18T>G on transcript NM_172362.3 (MANE Select); 18 bases into the intron before coding-DNA position 80, T replaced by G.
Molecular consequence: intron variant.
Genome position (GRCh38, 1-based): chr1:211,107,395, A>C on the plus strand (T>G on the coding strand, the complement: KCNH1 is on the minus strand). VCF-style: chr1-211107395-A-C. GRCh37 (hg19) VCF-style: chr1-211280737-A-C.
Other names: p.?; c.80-18T>G (NM_002238.4).
Identifiers: ClinVar variation 1273688 (VCV001273688.13), dbSNP rs77214996, ClinGen allele CA1380113.

ClinVar aggregate classification (germline): Benign/Likely benign. Review status: criteria provided, multiple submitters, no conflicts (2 of 4 stars). 5 submissions from 5 submitters: Benign (3); Likely benign (2). Last evaluated 2026-02-03.

Allele frequency attached by ClinVar (database versions not stated): gnomAD 0.00006 and 0.00007; gnomAD exomes 0.00105 and 0.00142; ExAC 0.00195; 1000 Genomes Project 0.00331.
gnomAD v4.1: 1,409 of 1,492,092 alleles (0.094%); highest among the groups gnomAD compares: Admixed American, 0.26%; no homozygotes.

Submissions (12):

Labcorp Genetics (formerly Invitae), Labcorp
Classification: Benign. Last evaluated: 2026-02-03. Review status: criteria provided, single submitter. Criteria: Invitae Variant Classification Sherloc (09022015). Collection method: clinical testing. Allele origin: germline.

Mayo Clinic Laboratories, Mayo Clinic
Classification: Likely benign. Last evaluated: 2025-05-01. Review status: criteria provided, single submitter. Criteria: ACMG Guidelines, 2015. Collection method: clinical testing. Allele origin: germline. Observed: 2 variant alleles.
Comment: BS1, BP7

Blueprint Genetics
Classification: Likely benign. Last evaluated: 2024-11-12. Review status: criteria provided, single submitter. Criteria: ACMG Guidelines, 2015. Collection method: clinical testing. Allele origin: germline.

GeneDx
Classification: Benign. Last evaluated: 2020-12-06. Review status: criteria provided, single submitter. Criteria: GeneDx Variant Classification Process June 2021. Collection method: clinical testing. Allele origin: germline. Affected: yes.

Breakthrough Genomics
Classification: Benign. Review status: criteria provided, single submitter. Criteria: ACMG Guidelines, 2015. Collection method: not provided. Allele origin: germline. Inheritance: Autosomal dominant inheritance. Affected: yes.

Dr. Peter K. Rogan Lab, Western University
No classification provided (evidence only). Condition: Lung cancer. Review status: no classification provided. Collection method: in vitro. Allele origin: not applicable. Functional consequence: retained intron. Not counted in ClinVar's aggregate classification.

Dr. Peter K. Rogan Lab, Western University
No classification provided (evidence only). Condition: Familial cancer of breast. Review status: no classification provided. Collection method: in vitro. Allele origin: not applicable. Functional consequence: retained intron. Not counted in ClinVar's aggregate classification.

Dr. Peter K. Rogan Lab, Western University
No classification provided (evidence only). Condition: Familial cancer of breast. Review status: no classification provided. Collection method: in vitro. Allele origin: not applicable. Functional consequence: retained intron. Not counted in ClinVar's aggregate classification.

Dr. Peter K. Rogan Lab, Western University
No classification provided (evidence only). Condition: Malignant lymphoma, large B-cell, diffuse. Review status: no classification provided. Collection method: in vitro. Allele origin: not applicable. Functional consequence: retained intron. Not counted in ClinVar's aggregate classification.

Dr. Peter K. Rogan Lab, Western University
No classification provided (evidence only). Condition: Ovarian serous cystadenocarcinoma. Review status: no classification provided. Collection method: in vitro. Allele origin: not applicable. Functional consequence: retained intron. Not counted in ClinVar's aggregate classification.

Dr. Peter K. Rogan Lab, Western University
No classification provided (evidence only). Condition: Malignant tumor of esophagus. Review status: no classification provided. Collection method: in vitro. Allele origin: not applicable. Functional consequence: retained intron. Not counted in ClinVar's aggregate classification.

Dr. Peter K. Rogan Lab, Western University
No classification provided (evidence only). Condition: Malignant tumor of esophagus. Review status: no classification provided. Collection method: in vitro. Allele origin: not applicable. Functional consequence: retained intron. Not counted in ClinVar's aggregate classification.